The following is an entry in ClinVar:

NM_000077.5(CDKN2A):c.427G>C (p.Ala143Pro)

Gene: CDKN2A (cyclin dependent kinase inhibitor 2A; minus strand). Cytogenetic location: 9p21.3.
Variant type: single nucleotide variant.
Coding change: c.427G>C on transcript NM_000077.5; coding-DNA position 427, G replaced by C.
Protein change: p.Ala143Pro; replaces alanine 143 with proline.
Molecular consequence: missense variant (on NM_000077.6). On other transcripts: 3 prime UTR variant (2).
Genome position (GRCh38, 1-based): chr9:21,970,932, C>G on the plus strand (G>C on the coding strand, the complement: CDKN2A is on the minus strand). VCF-style: chr9-21970932-C-G. GRCh37 (hg19) VCF-style: chr9-21970931-C-G.
Other names: c.427G>C, p.Ala143Pro (NM_000077.6, NM_001195132.2); c.274G>C, p.Ala92Pro (NM_001363763.2); c.*71G>C (NM_058195.4); c.*350G>C (NM_058197.5); short protein forms A143P, A92P.
Identifiers: ClinVar variation 5034247 (VCV005034247.1).

ClinVar aggregate classification (germline): Uncertain significance (1 of 4 stars; one submission).

Conditions:
Hereditary cancer-predisposing syndrome. Also called: Hereditary Cancer Syndrome; Neoplastic Syndromes, Hereditary; Tumor predisposition; Hereditary neoplastic syndrome. Identifiers: Orphanet 140162, MedGen C0027672, MeSH D009386, MONDO:0015356.

Submission:

Ambry Genetics
Classification: Uncertain significance for Hereditary cancer-predisposing syndrome. Last evaluated: 2026-07-29. Review status: criteria provided, single submitter. Criteria: Ambry Variant Classification Scheme 2023. Collection method: clinical testing. Allele origin: germline.
Comment: The p.A143P variant (also known as c.427G>C), located in coding exon 2 of the CDKN2A gene, results from a G to C substitution at nucleotide position 427. The alanine at codon 143 is replaced by proline, an amino acid with highly similar properties. Of note, this alteration is also known as c.470G>Cin the p14(ARF) isoform. This amino acid position is not well conserved in available vertebrate species. In addition, the in silico prediction for this alteration is inconclusive. Based on the available evidence, the clinical significance of this variant remains unclear.